The following is an entry in ClinVar:

NM_014704.4(CEP104):c.2674G>A (p.Ala892Thr)

Gene: CEP104 (centrosomal protein 104; minus strand). Cytogenetic location: 1p36.32.
Variant type: single nucleotide variant.
Coding change: c.2674G>A on transcript NM_014704.4 (MANE Select); coding-DNA position 2674, G replaced by A.
Protein change: p.Ala892Thr; replaces alanine 892 with threonine.
Molecular consequence: missense variant.
Genome position (GRCh38, 1-based): chr1:3,815,506, C>T on the plus strand (G>A on the coding strand, the complement: CEP104 is on the minus strand). VCF-style: chr1-3815506-C-T. GRCh37 (hg19) VCF-style: chr1-3732070-C-T.
Other names: short protein forms A892T.
Identifiers: ClinVar variation 2499781 (VCV002499781.1), dbSNP rs746706047, ClinGen allele CA551191.

ClinVar aggregate classification (germline): Uncertain significance (1 of 4 stars; one submission).

Allele frequency attached by ClinVar (database versions not stated): ExAC 0.00001; gnomAD 0.00001; TOPMed 0.00001.
gnomAD v4.1: 20 of 1,601,024 alleles (0.0012%); highest among the groups gnomAD compares: Non-Finnish European, 0.0016%; no homozygotes.

Submission:

GeneDx
Classification: Uncertain significance. Last evaluated: 2022-10-20. Review status: criteria provided, single submitter. Criteria: GeneDx Variant Classification Process June 2021. Collection method: clinical testing. Allele origin: germline. Affected: yes.
Comment: Not observed at significant frequency in large population cohorts (gnomAD); In silico analysis supports that this missense variant does not alter protein structure/function; Has not been previously published as pathogenic or benign to our knowledge